The following is an entry in ClinVar:

ClinVar aggregate classification (germline): Uncertain significance. Review status: criteria provided, multiple submitters, no conflicts (2 of 4 stars). 3 submissions from 3 submitters: Uncertain significance (2). 1 of the submissions does not count toward it. Last evaluated 2023-12-10.

Conditions:
GNAS-related disorder. Identifiers: MedGen CN380105.
Progressive osseous heteroplasia (POH). Also called: Osseus Heteroplasia, Progressive; Osteoma cutis; Progressive Osseus Heteroplasia (POH); ECTOPIC OSSIFICATION, FAMILIAL. Identifiers: Orphanet 2762, MedGen C0334041, MONDO:0008153, OMIM 166350, HP:0025027.
Pseudopseudohypoparathyroidism (PPHP). Also called: Pseudopseudohypoparathyroidism (PPHP); ALBRIGHT HEREDITARY OSTEODYSTROPHY WITHOUT MULTIPLE HORMONE RESISTANCE. Identifiers: Orphanet 79445, MedGen C0033835, MONDO:0012912, OMIM 612463.
Pseudohypoparathyroidism type I A (PHP1A). Also called: Pseudohypoparathyroidism type 1A; Pseudohypoparathyroidism Type IA; Pseudohypoparathyroidism Ia (PHP-Ia); ALBRIGHT HEREDITARY OSTEODYSTROPHY WITH MULTIPLE HORMONE RESISTANCE; PHP IA. Identifiers: Orphanet 79443, MedGen C3494506, MONDO:0007078, OMIM 103580.

Submissions (3):

Clinical Genomics Laboratory, Washington University in St. Louis
Classification: Uncertain significance for Progressive osseous heteroplasia; Pseudohypoparathyroidism type I A; Pseudopseudohypoparathyroidism. Last evaluated: 2023-12-10. Review status: criteria provided, single submitter. Criteria: ACMG Guidelines, 2015. Collection method: clinical testing. Allele origin: germline.
Comment: The GNAS c.890del (p.Gly297AlafsTer393) variant, to our knowledge, has not been reported in the medical literature but has been reported in the ClinVar database as a germline variant of uncertain significance by one submitter. This variant is only observed on 1/243,954 alleles in the general population (gnomAD v.2.1.1), indicating it is not a common variant. This variant causes a frameshift by deleting a single nucleotide, leading to a premature termination codon, which is predicted to lead to nonsense mediated decay. However, this variant occurs in the first exon of the GNAS transcript which encodes the NSP55 protein, which is structurally and functionally unrelated to the GsŒ± protein. Therefore, due to limited information, and based on ACMG/AMP guidelines for variant interpretation (Richards S et al., PMID: 25741868), the clinical significance of this variant is uncertain at this time.

GeneDx
Classification: Uncertain significance. Last evaluated: 2017-10-23. Review status: criteria provided, single submitter. Criteria: GeneDx Variant Classification (06012015). Collection method: clinical testing. Allele origin: germline. Affected: yes.
Comment: The c.890delG variant in the GNAS gene has not been reported previously as a pathogenic variant nor as a benign variant, to our knowledge. The c.890delG variant causes a frameshift starting with codon Glycine 297, changes this amino acid to an Alanine residue, and creates a premature Stop codon at position 393 of the new reading frame, denoted p.Gly297AlafsX393. This variant is predicted to cause loss of normal protein function either through protein truncation or nonsense-mediated mRNA decay. The c.890delG variant is observed in 1/108314 (0.0009%) alleles from individuals of non-Finnish European background, in the ExAC dataset (Lek et al., 2016). We interpret c.890delG as a variant of uncertain significance.

PreventionGenetics, part of Exact Sciences
Classification: Uncertain significance for GNAS-related condition. Last evaluated: 2024-09-07. Review status: no assertion criteria provided. Collection method: clinical testing. Allele origin: germline. Not counted in ClinVar's aggregate classification.
Comment: The GNAS c.890delG variant is predicted to result in a frameshift and premature protein termination (p.Gly297Alafs*393). In the primary transcript of the GNAS gene (NM_000516.5), this variant is located in the 5’ untranslated region (UTR) and is defined as c.-37572del. To our knowledge, this variant has not been reported in the literature. To our knowledge, only large deletions in the 5’ UTR region are conclusively pathogenic for pseudohypoparathyroidism type-Ib (PHP-Ib) due to methylation defects (Turan and Bastepe. 2015. PubMed ID: 25851935). Although, in some studies single nucleotide variants (SNVs) within this region have been reported in related diseases, the pathogenicity of these variants is still uncertain (see for example in Table 3 of Long et al. 2018. PubMed ID: 30022773). This variant is reported in 0.00092% of alleles in individuals of European (Non-Finnish) descent in gnomAD. At this time, the clinical significance of this variant is uncertain due to the absence of conclusive functional and genetic evidence.

NM_080425.4(GNAS):c.890del (p.Gly297fs)

Gene: GNAS (GNAS complex locus; plus strand). Cytogenetic location: 20q13.32.
Variant type: Deletion.
Coding change: c.890del on transcript NM_080425.4 (MANE Plus Clinical); coding-DNA position 890, one base deleted (G; older notation c.890delG).
Protein change: p.Gly297fs; shifts the reading frame from glycine 297.
Molecular consequence: frameshift variant. On other transcripts: intron variant (3).
Genome position (GRCh38, 1-based): chr20:58,854,155, G deleted; the last of 3 consecutive G bases (chr20:58,854,153-58,854,155); deleting any one gives the same sequence. VCF-style (leftmost placement, unchanged base first): chr20-58854152-CG-C. GRCh37 (hg19) VCF-style: chr20-57429207-CG-C.
Other names: c.703del, p.Ala235fs (NM_001077490.3, NM_001309883.1); c.890del, p.Gly297fs (NM_001410913.1); c.*42+13269del (NM_016592.5); c.43+13269del (NM_001410912.1); c.-39+12280del (NM_001309861.2); c.890delG (NM_080425.3); short protein forms A235fs, G297fs.
Identifiers: ClinVar variation 503518 (VCV000503518.5), dbSNP rs1391332013, ClinGen allele CA636607563.
Genomic context (GRCh38, chr20:58,854,152, plus strand): 5'-GGGTCCCAGGCGCCATCGGCAGCCCATCCCAAGAGGCTGTCAGACCTCCTTCTAACTTCA[CG>C]GGCAGCAGCCCCTGGATGGAGATCTCCGGACCCCCGTTCGAGATTGGCAGCGCCCCCGCT-3'